The following is an entry in ClinVar:

NM_005188.4(CBL):c.1317_1331del (p.Ser439_Leu443del)

Gene: CBL (Cbl proto-oncogene; plus strand). Cytogenetic location: 11q23.3.
Variant type: Deletion.
Coding change: c.1317_1331del on transcript NM_005188.4 (MANE Select); coding-DNA positions 1317 to 1331, 15 bases deleted (TGGCAGCCTGTTGAG).
Protein change: p.Ser439_Leu443del.
Molecular consequence: inframe deletion.
Genome position (GRCh38, 1-based): chr11:119,278,599-119,278,613, TGGCAGCCTGTTGAG deleted; deleting any 15 consecutive bases within chr11:119,278,596-119,278,613 gives the same sequence; the c. name uses the placement nearest the transcript's 3' end. VCF-style (leftmost placement, unchanged base first): chr11-119278595-GGAGTGGCAGCCTGTT-G. GRCh37 (hg19) VCF-style: chr11-119149305-GGAGTGGCAGCCTGTT-G.
Identifiers: ClinVar variation 3252626 (VCV003252626.1), dbSNP rs2496941358.

ClinVar aggregate classification (germline): Uncertain significance (1 of 4 stars; one submission).

Submission:

GeneDx
Classification: Uncertain significance. Last evaluated: 2023-10-04. Review status: criteria provided, single submitter. Criteria: GeneDx Variant Classification Process June 2021. Collection method: clinical testing. Allele origin: germline. Affected: yes.
Comment: Not observed at significant frequency in large population cohorts (gnomAD); In-frame deletion of 5 amino acids in a non-repeat region; In silico analysis supports a deleterious effect on protein structure/function; Has not been previously published as pathogenic or benign to our knowledge